The following is an entry in ClinVar:

NM_007186.6(CEP250):c.3649G>C (p.Glu1217Gln)

Gene: CEP250 (centrosomal protein 250; plus strand). Cytogenetic location: 20q11.22.
Variant type: single nucleotide variant.
Coding change: c.3649G>C on transcript NM_007186.6 (MANE Select); coding-DNA position 3649, G replaced by C.
Protein change: p.Glu1217Gln; replaces glutamic acid 1217 with glutamine.
Molecular consequence: missense variant.
Genome position (GRCh38, 1-based): chr20:35,498,061, G>C. VCF-style: chr20-35498061-G-C. GRCh37 (hg19) VCF-style: chr20-34085890-G-C.
Other names: c.1753G>C, p.Glu585Gln (NM_001318219.1); short protein forms E585Q, E1217Q.
Identifiers: ClinVar variation 1507199 (VCV001507199.7), dbSNP rs770036099, ClinGen allele CA9833514.

ClinVar aggregate classification (germline): Uncertain significance. Review status: criteria provided, multiple submitters, no conflicts (2 of 4 stars). 2 submissions from 2 submitters: Uncertain significance (2). Last evaluated 2022-12-05.

Allele frequency attached by ClinVar (database versions not stated): gnomAD exomes 0.00001 and 0.00002; ExAC 0.00004.
gnomAD v4.1: 11 of 1,564,604 alleles (0.0007%); highest among the groups gnomAD compares: Middle Eastern, 0.052%; no homozygotes.

Submissions (2):

Blueprint Genetics
Classification: Uncertain significance. Last evaluated: 2022-12-05. Review status: criteria provided, single submitter. Criteria: ACMG Guidelines, 2015. Collection method: clinical testing. Allele origin: germline.

Labcorp Genetics (formerly Invitae), Labcorp
Classification: Uncertain significance. Last evaluated: 2022-08-23. Review status: criteria provided, single submitter. Criteria: Invitae Variant Classification Sherloc (09022015). Collection method: clinical testing. Allele origin: germline.
Comment: This sequence change replaces glutamic acid, which is acidic and polar, with glutamine, which is neutral and polar, at codon 1217 of the CEP250 protein (p.Glu1217Gln). This variant is present in population databases (rs770036099, gnomAD 0.004%). This variant has not been reported in the literature in individuals affected with CEP250-related conditions. ClinVar contains an entry for this variant (Variation ID: 1507199). Algorithms developed to predict the effect of missense changes on protein structure and function are either unavailable or do not agree on the potential impact of this missense change (SIFT: "Not Available"; PolyPhen-2: "Possibly Damaging"; Align-GVGD: "Not Available"). In summary, the available evidence is currently insufficient to determine the role of this variant in disease. Therefore, it has been classified as a Variant of Uncertain Significance.